The following is an entry in ClinVar:

ClinVar aggregate classification (germline): Uncertain significance. Review status: criteria provided, multiple submitters, no conflicts (2 of 4 stars). 2 submissions from 2 submitters: Uncertain significance (2). Last evaluated 2026-01-05.

Conditions:
Absence seizure. Also called: Absence epilepsy. Identifiers: Orphanet 1941, MedGen C0014553.
Myoclonic epilepsy, juvenile, susceptibility to, 1. Also called: Myoclonic Epilepsy, Juvenile, 1; EJM1. Identifiers: MedGen C1850778, MONDO:0020752, OMIM 254770.

Allele frequency attached by ClinVar (database versions not stated): TOPMed 0.00014; ESP Exome Variant Server 0.00015; gnomAD 0.00010.
gnomAD v4.1: 210 of 1,613,906 alleles (0.013%); highest among the groups gnomAD compares: Middle Eastern, 0.12%; no homozygotes.

Submissions (2):

Labcorp Genetics (formerly Invitae), Labcorp
Classification: Uncertain significance for Myoclonic epilepsy, juvenile, susceptibility to, 1; Absence seizure. Last evaluated: 2026-01-05. Review status: criteria provided, single submitter. Criteria: Invitae Variant Classification Sherloc (09022015). Collection method: clinical testing. Allele origin: germline.
Comment: This sequence change replaces arginine, which is basic and polar, with leucine, which is neutral and non-polar, at codon 457 of the EFHC1 protein (p.Arg457Leu). This variant is present in population databases (rs369468811, gnomAD 0.04%). This variant has not been reported in the literature in individuals affected with EFHC1-related conditions. This missense change has been observed in at least one individual who was not affected with EFHC1-related conditions (internal data). ClinVar contains an entry for this variant (Variation ID: 205404). Invitae Evidence Modeling of protein sequence and biophysical properties (such as structural, functional, and spatial information, amino acid conservation, physicochemical variation, residue mobility, and thermodynamic stability) indicates that this missense variant is expected to disrupt EFHC1 protein function with a positive predictive value of 80%. In summary, the available evidence is currently insufficient to determine the role of this variant in disease. Therefore, it has been classified as a Variant of Uncertain Significance.

GeneDx
Classification: Uncertain significance. Last evaluated: 2015-10-06. Review status: criteria provided, single submitter. Criteria: GeneDx Variant Classification (06012015). Collection method: clinical testing. Allele origin: germline. Affected: yes.
Comment: The R457L variant has not been published as a mutation, nor has it been reported as a benign polymorphism to our knowledge. The R457L variant was not observed with any significant frequency in approximately 6,500 individuals of European and African American ancestry in the NHLBI Exome Sequencing Project. The R457L variant is a non-conservative amino acid substitution, which is likely to impact secondary protein structure as these residues differ in polarity, charge, size and/or other properties. This substitution occurs at a position that is conserved in mammals. In silico analysis predicts this variant is probably damaging to the protein structure/function. However, missense mutations in nearby residues have not been reported. The variant is found in EPILEPSY panel(s).

NM_018100.4(EFHC1):c.1370G>T (p.Arg457Leu)

Gene: EFHC1 (EF-hand domain containing 1; plus strand). Cytogenetic location: 6p12.2.
Variant type: single nucleotide variant.
Coding change: c.1370G>T on transcript NM_018100.4 (MANE Select); coding-DNA position 1370, G replaced by T.
Protein change: p.Arg457Leu; replaces arginine 457 with leucine.
Molecular consequence: missense variant. On other transcripts: non-coding transcript variant (1).
Genome position (GRCh38, 1-based): chr6:52,479,128, G>T. VCF-style: chr6-52479128-G-T. GRCh37 (hg19) VCF-style: chr6-52343926-G-T.
Other names: p.R457L:CGC>CTC; c.1313G>T, p.Arg438Leu (NM_001172420.2); short protein forms R457L, R438L.
Identifiers: ClinVar variation 205404 (VCV000205404.18), dbSNP rs369468811, ClinGen allele CA314442.